The following is an entry in ClinVar:

ClinVar aggregate classification (germline): Uncertain significance. Review status: criteria provided, multiple submitters, no conflicts (2 of 4 stars). 2 submissions from 2 submitters: Uncertain significance (2). Last evaluated 2026-06-24.

Conditions:
Hereditary cancer-predisposing syndrome. Also called: Hereditary Cancer Syndrome; Neoplastic Syndromes, Hereditary; Hereditary neoplastic syndrome; Tumor predisposition. Identifiers: Orphanet 140162, MedGen C0027672, MeSH D009386, MONDO:0015356.

Submissions (2):

Ambry Genetics
Classification: Uncertain significance for Hereditary cancer-predisposing syndrome. Last evaluated: 2026-06-24. Review status: criteria provided, single submitter. Criteria: Ambry Variant Classification Scheme 2023. Collection method: clinical testing. Allele origin: germline.
Comment: The c.3414A>C variant (also known as p.*1138Yext*13), located in coding exon 24 of the MSH3 gene, results from an A to C substitution at nucleotide position 3414, which is the last nucleotide of the MSH3 gene. This variant disrupts the stop codon and is predicted to preserve the native sequence while resulting in the elongation of the protein by 13 amino acids. The exact functional effect of the additional amino acids is unknown. Based on the available evidence, the clinical significance of this variant remains unclear.

Labcorp Genetics (formerly Invitae), Labcorp
Classification: Uncertain significance. Last evaluated: 2024-10-27. Review status: criteria provided, single submitter. Criteria: Invitae Variant Classification Sherloc (09022015). Collection method: clinical testing. Allele origin: germline.
Comment: This sequence change disrupts the translational stop signal of the MSH3 mRNA. It is expected to extend the length of the MSH3 protein by 13 additional amino acid residues. This variant is not present in population databases (gnomAD no frequency). This variant has not been reported in the literature in individuals affected with MSH3-related conditions. ClinVar contains an entry for this variant (Variation ID: 1390379). In summary, the available evidence is currently insufficient to determine the role of this variant in disease. Therefore, it has been classified as a Variant of Uncertain Significance.

NM_002439.5(MSH3):c.3414A>C (p.Ter1138Tyr)

Gene: MSH3 (mutS homolog 3; plus strand). Cytogenetic location: 5q14.1.
Variant type: single nucleotide variant.
Coding change: c.3414A>C on transcript NM_002439.5 (MANE Select); coding-DNA position 3414, A replaced by C.
Protein change: p.Ter1138Tyr.
Molecular consequence: stop lost.
Genome position (GRCh38, 1-based): chr5:80,875,862, A>C. VCF-style: chr5-80875862-A-C. GRCh37 (hg19) VCF-style: chr5-80171681-A-C.
Other names: c.3414A>C (NM_002439.3).
Identifiers: ClinVar variation 1390379 (VCV001390379.7), dbSNP rs2112131994, ClinGen allele CA360347515.